The following is an entry in ClinVar:

NM_001101426.4(CRPPA):c.1119+3A>G

Genes: CRPPA (CDP-L-ribitol pyrophosphorylase A; minus strand), CRPPA-AS1 (CRPPA antisense RNA 1; plus strand). Cytogenetic location: 7p21.2.
Variant type: single nucleotide variant.
Coding change: c.1119+3A>G on transcript NM_001101426.4 (MANE Select); 3 bases into the intron after coding-DNA position 1119, A replaced by G.
Molecular consequence: intron variant.
Genome position (GRCh38, 1-based): chr7:16,258,387, T>C on the plus strand (A>G on the coding strand, the complement: CRPPA is on the minus strand). VCF-style: chr7-16258387-T-C. GRCh37 (hg19) VCF-style: chr7-16298012-T-C.
Other names: c.969+3A>G (NM_001101417.4); c.1014+3A>G (NM_001368197.1).
Identifiers: ClinVar variation 1680754 (VCV001680754.8), dbSNP rs1783701192, ClinGen allele CA1690787789.

ClinVar aggregate classification (germline): Uncertain significance. Review status: criteria provided, multiple submitters, no conflicts (2 of 4 stars). 2 submissions from 2 submitters: Uncertain significance (2). Last evaluated 2022-08-02.

Conditions:
Muscular dystrophy-dystroglycanopathy (congenital with brain and eye anomalies), type A, 7. Also called: WALKER-WARBURG SYNDROME OR MUSCLE-EYE-BRAIN DISEASE, ISPD-RELATED; Congenital muscular dystrophy-dystroglycanopathy with brain and eye anomalies, type A7. Identifiers: Orphanet 899, MedGen C3553330, MONDO:0013835, OMIM 614643.
Autosomal recessive limb-girdle muscular dystrophy type 2U. Also called: Muscular dystrophy-dystroglycanopathy (limb-girdle), type c, 7; MUSCULAR DYSTROPHY, LIMB-GIRDLE, TYPE 2U. Identifiers: Orphanet 352479, MedGen C5190987, MONDO:0014474, OMIM 616052.

Allele frequency attached by ClinVar (database versions not stated): gnomAD exomes below 0.00001; TOPMed below 0.00001.
gnomAD v4.1: 3 of 1,566,986 alleles (0.00019%); highest among the groups gnomAD compares: East Asian, 0.0045%; no homozygotes.

Submissions (2):

Revvity Omics, Revvity
Classification: Uncertain significance. Last evaluated: 2022-08-02. Review status: criteria provided, single submitter. Criteria: ACMG Guidelines, 2015. Collection method: clinical testing. Allele origin: germline.

Labcorp Genetics (formerly Invitae), Labcorp
Classification: Uncertain significance for Muscular dystrophy-dystroglycanopathy (congenital with brain and eye anomalies), type A, 7; Autosomal recessive limb-girdle muscular dystrophy type 2U. Last evaluated: 2021-09-17. Review status: criteria provided, single submitter. Criteria: Invitae Variant Classification Sherloc (09022015). Collection method: clinical testing. Allele origin: germline.
Comment: This variant is not present in population databases (ExAC no frequency). In summary, the available evidence is currently insufficient to determine the role of this variant in disease. Therefore, it has been classified as a Variant of Uncertain Significance. Variants that disrupt the consensus splice site are a relatively common cause of aberrant splicing (PMID: 17576681, 9536098). Algorithms developed to predict the effect of sequence changes on RNA splicing suggest that this variant may disrupt the consensus splice site. This variant has not been reported in the literature in individuals affected with ISPD-related conditions. This sequence change falls in intron 8 of the ISPD gene. It does not directly change the encoded amino acid sequence of the ISPD protein. It affects a nucleotide within the consensus splice site of the intron.

Literature cited by the submitters: PubMed 17576681 (cited by Labcorp Genetics (formerly Invitae), Labcorp); PubMed 9536098 (cited by Labcorp Genetics (formerly Invitae), Labcorp).